The following is an entry in ClinVar:

ClinVar aggregate classification (germline): Uncertain significance (1 of 4 stars; one submission).

Submission:

GeneDx
Classification: Uncertain significance. Last evaluated: 2024-09-20. Review status: criteria provided, single submitter. Criteria: GeneDx Variant Classification Process June 2021. Collection method: clinical testing. Allele origin: germline. Affected: yes.
Comment: Not observed at significant frequency in large population cohorts (gnomAD); In silico analysis supports that this missense variant has a deleterious effect on protein structure/function; Has not been previously published as pathogenic or benign to our knowledge

NM_014633.5(CTR9):c.311A>G (p.Asp104Gly)

Gene: CTR9 (CTR9 homolog, Paf1/RNA polymerase II complex component; plus strand). Cytogenetic location: 11p15.4.
Variant type: single nucleotide variant.
Coding change: c.311A>G on transcript NM_014633.5 (MANE Select); coding-DNA position 311, A replaced by G.
Protein change: p.Asp104Gly; replaces aspartic acid 104 with glycine.
Molecular consequence: missense variant.
Genome position (GRCh38, 1-based): chr11:10,755,124, A>G. VCF-style: chr11-10755124-A-G. GRCh37 (hg19) VCF-style: chr11-10776671-A-G.
Other names: c.311A>G, p.Asp104Gly (NM_001346279.2); short protein forms D104G.
Identifiers: ClinVar variation 3774647 (VCV003774647.1).
Genomic context (GRCh38, chr11:10,755,124, plus strand): 5'-CTTGCTTGGATACATTGGCAGCGTATTATGTACAACAGGCTCGGAAAGAAAAGAATAAGG[A>G]CAATAAAAAGGATCTTATTACACAGGCCACCTTGTTGTATACAATGGCCGATAAAATTAT-3'
Protein context (NP_055448.1, residues 94-114): VQQARKEKNK[Asp104Gly]NKKDLITQAT